The following is an entry in ClinVar:

NM_024876.4(COQ8B):c.953C>T (p.Thr318Met)

Gene: COQ8B (coenzyme Q8B; minus strand). Cytogenetic location: 19q13.2.
Variant type: single nucleotide variant.
Coding change: c.953C>T on transcript NM_024876.4 (MANE Select); coding-DNA position 953, C replaced by T.
Protein change: p.Thr318Met; replaces threonine 318 with methionine.
Molecular consequence: missense variant.
Genome position (GRCh38, 1-based): chr19:40,700,392, G>A on the plus strand (C>T on the coding strand, the complement: COQ8B is on the minus strand). VCF-style: chr19-40700392-G-A. GRCh37 (hg19) VCF-style: chr19-41206297-G-A.
Other names: c.830C>T, p.Thr277Met (NM_001142555.3); short protein forms T277M, T318M.
Identifiers: ClinVar variation 1315533 (VCV001315533.5), dbSNP rs55899516, ClinGen allele CA9450204.
Genomic context (GRCh38, chr19:40,700,392, plus strand): 5'-AGGCCCTGGCACTGGTCCAGGGGGACCCCTCCAGCCAGCTCCATGCCCAGCACCCGTGTC[G>A]TGCACAGCTCCTTAACCACGGCTGGGACCCGGAAGAAGGGGTCATTTGCCAGCAGCTGCC-3'
Protein context (NP_079152.3, residues 308-328): RVPAVVKELC[Thr318Met]TRVLGMELAG

ClinVar aggregate classification (germline): Uncertain significance. Review status: criteria provided, multiple submitters, no conflicts (2 of 4 stars). 2 submissions from 2 submitters: Uncertain significance (2). Last evaluated 2024-05-09.

Conditions:
Nephrotic syndrome, type 9 (NPHS9). Identifiers: Orphanet 656, MedGen C3809965, MONDO:0014257, OMIM 615573.

Allele frequency attached by ClinVar (database versions not stated): gnomAD exomes 0.00018 and 0.00044; ExAC 0.00019; 1000 Genomes Project 30x 0.00031; 1000 Genomes Project 0.00040; ESP Exome Variant Server 0.00069.
gnomAD v4.1: 697 of 1,614,146 alleles (0.043%); highest among the groups gnomAD compares: Non-Finnish European, 0.054%; 1 homozygote.

Submissions (2):

GeneDx
Classification: Uncertain significance. Last evaluated: 2024-05-09. Review status: criteria provided, single submitter. Criteria: GeneDx Variant Classification Process June 2021. Collection method: clinical testing. Allele origin: germline. Affected: yes.
Comment: In silico analysis supports that this missense variant has a deleterious effect on protein structure/function; Has not been previously published as pathogenic or benign to our knowledge

Fulgent Genetics
Classification: Uncertain significance for Nephrotic syndrome, type 9. Last evaluated: 2022-04-15. Review status: criteria provided, single submitter. Criteria: ACMG Guidelines, 2015. Collection method: clinical testing. Allele origin: unknown.